The following is an entry in ClinVar:

ClinVar aggregate classification (germline): Uncertain significance. Review status: criteria provided, multiple submitters, no conflicts (2 of 4 stars). 2 submissions from 2 submitters: Uncertain significance (2). Last evaluated 2024-11-04.

Conditions:
Cardiovascular phenotype. Identifiers: MedGen CN230736.
Noonan syndrome 9 (NS9). Identifiers: Orphanet 648, MedGen C4225282, MONDO:0014691, OMIM 616559.

Allele frequency attached by ClinVar (database versions not stated): gnomAD exomes below 0.00001; TOPMed below 0.00001.
gnomAD v4.1: 3 of 1,591,850 alleles (0.00019%); highest among the groups gnomAD compares: African/African-American, 0.0013%; no homozygotes.

Submissions (2):

Labcorp Genetics (formerly Invitae), Labcorp
Classification: Uncertain significance for Noonan syndrome 9. Last evaluated: 2024-11-04. Review status: criteria provided, single submitter. Criteria: Invitae Variant Classification Sherloc (09022015). Collection method: clinical testing. Allele origin: germline.
Comment: This sequence change replaces methionine, which is neutral and non-polar, with valine, which is neutral and non-polar, at codon 995 of the SOS2 protein (p.Met995Val). This variant is present in population databases (no rsID available, gnomAD 0.0009%). This variant has not been reported in the literature in individuals affected with SOS2-related conditions. ClinVar contains an entry for this variant (Variation ID: 661524). Invitae Evidence Modeling of protein sequence and biophysical properties (such as structural, functional, and spatial information, amino acid conservation, physicochemical variation, residue mobility, and thermodynamic stability) indicates that this missense variant is not expected to disrupt SOS2 protein function with a negative predictive value of 95%. In summary, the available evidence is currently insufficient to determine the role of this variant in disease. Therefore, it has been classified as a Variant of Uncertain Significance.

Ambry Genetics
Classification: Uncertain significance for Cardiovascular phenotype. Last evaluated: 2023-03-18. Review status: criteria provided, single submitter. Criteria: Ambry Variant Classification Scheme 2023. Collection method: clinical testing. Allele origin: germline.
Comment: The p.M995V variant (also known as c.2983A>G), located in coding exon 19 of the SOS2 gene, results from an A to G substitution at nucleotide position 2983. The methionine at codon 995 is replaced by valine, an amino acid with highly similar properties. This amino acid position is conserved. In addition, the in silico prediction for this alteration is inconclusive. Since supporting evidence is limited at this time, the clinical significance of this alteration remains unclear.

NM_006939.4(SOS2):c.2983A>G (p.Met995Val)

Gene: SOS2 (SOS Ras/Rho guanine nucleotide exchange factor 2; minus strand). Cytogenetic location: 14q21.3.
Variant type: single nucleotide variant.
Coding change: c.2983A>G on transcript NM_006939.4 (MANE Select); coding-DNA position 2983, A replaced by G.
Protein change: p.Met995Val; replaces methionine 995 with valine.
Molecular consequence: missense variant.
Genome position (GRCh38, 1-based): chr14:50,134,215, T>C on the plus strand (A>G on the coding strand, the complement: SOS2 is on the minus strand). VCF-style: chr14-50134215-T-C. GRCh37 (hg19) VCF-style: chr14-50600933-T-C.
Other names: short protein forms M995V.
Identifiers: ClinVar variation 661524 (VCV000661524.10), dbSNP rs933544183, ClinGen allele CA260716312.